The following is an entry in ClinVar:

ClinVar aggregate classification (germline): Uncertain significance (1 of 4 stars; one submission).

Conditions:
Hereditary cancer-predisposing syndrome. Also called: Tumor predisposition; Hereditary Cancer Syndrome; Neoplastic Syndromes, Hereditary; Hereditary neoplastic syndrome. Identifiers: Orphanet 140162, MedGen C0027672, MeSH D009386, MONDO:0015356.

Submission:

Color Diagnostics, LLC DBA Color Health
Classification: Uncertain significance for Hereditary cancer-predisposing syndrome. Last evaluated: 2025-08-19. Review status: criteria provided, single submitter. Criteria: ACMG Guidelines, 2015. Collection method: clinical testing. Allele origin: germline.
Comment: This variant causes the deletion of three nucleotides in intron 1 of the MUTYH gene. To our knowledge, RNA studies have not been reported for this variant. This variant has not been reported in individuals affected with MUTYH-related disorders in the literature. This variant has not been identified in the general population by the Genome Aggregation Database (gnomAD). The available evidence is insufficient to determine the role of this variant in disease conclusively. Therefore, this variant is classified as a Variant of Uncertain Significance.

NM_001048174.2(MUTYH):c.-6-7_-6-5del

Gene: MUTYH (mutY DNA glycosylase; minus strand). Cytogenetic location: 1p34.1.
Variant type: Deletion.
Coding change: c.-6-7_-6-5del on transcript NM_001048174.2 (MANE Select); 7 bases into the intron before 6 bases upstream of the start codon through 5 bases into the intron before 6 bases upstream of the start codon, 3 bases deleted (GTT; older notation c.-6-7_-6-5delGTT).
Molecular consequence: intron variant.
Genome position (GRCh38, 1-based): chr1:45,334,516-45,334,518, AAC deleted on the plus strand (GTT on the coding strand, the reverse complement: MUTYH is on the minus strand); deleting any 3 consecutive bases within chr1:45,334,516-45,334,520 gives the same sequence; the c. name uses the placement nearest the transcript's 3' end. VCF-style (leftmost placement, unchanged base first): chr1-45334515-AAAC-A. GRCh37 (hg19) VCF-style: chr1-45800187-AAAC-A.
Other names: c.-6-7_-6-5del (NM_001407072.1, NM_001048171.2, NM_001407070.1 and 15 more transcripts); c.-213-7_-213-5del (NM_001350651.2, NM_001407082.1); c.-218-7_-218-5del (NM_001293192.2, NM_001293196.2, NM_001407091.1); c.-277-7_-277-5del (NM_001350650.2); c.37-7_37-5del (NM_001407073.1, NM_001293190.2, NM_001407069.1 and 2 more transcripts); c.-162-7_-162-5del (NM_001407075.1); c.13-7_13-5del (NM_001407087.1).
Identifiers: ClinVar variation 4758322 (VCV004758322.1).